The following is an entry in ClinVar:

ClinVar aggregate classification (germline): Uncertain significance (1 of 4 stars; one submission).

Submission:

GeneDx
Classification: Uncertain significance. Last evaluated: 2024-12-03. Review status: criteria provided, single submitter. Criteria: GeneDx Variant Classification Process June 2021. Collection method: clinical testing. Allele origin: germline.
Comment: Not observed at significant frequency in large population cohorts (gnomAD); In silico analysis supports that this missense variant has a deleterious effect on protein structure/function; Has not been previously published as pathogenic or benign to our knowledge

NM_001278512.2(AP3B2):c.1937A>G (p.Glu646Gly)

Genes: AP3B2 (adaptor related protein complex 3 subunit beta 2; minus strand), CPEB1-AS1 (CPEB1 antisense RNA 1; plus strand). Cytogenetic location: 15q25.2.
Variant type: single nucleotide variant.
Coding change: c.1937A>G on transcript NM_001278512.2 (MANE Select); coding-DNA position 1937, A replaced by G.
Protein change: p.Glu646Gly; replaces glutamic acid 646 with glycine.
Molecular consequence: missense variant.
Genome position (GRCh38, 1-based): chr15:82,665,491, T>C on the plus strand (A>G on the coding strand, the complement: AP3B2 is on the minus strand). VCF-style: chr15-82665491-T-C. GRCh37 (hg19) VCF-style: chr15-83334243-T-C.
Other names: c.1841A>G, p.Glu614Gly (NM_001278511.2); c.1937A>G, p.Glu646Gly (NM_004644.5); short protein forms E614G, E646G.
Identifiers: ClinVar variation 3359540 (VCV003359540.2).